The following is an entry in ClinVar:

NM_006017.3(PROM1):c.1344C>T (p.Ile448=)

Gene: PROM1 (prominin 1; minus strand). Cytogenetic location: 4p15.32.
Variant type: single nucleotide variant.
Coding change: c.1344C>T on transcript NM_006017.3 (MANE Select); coding-DNA position 1344, C replaced by T.
Protein change: p.Ile448=; no amino-acid change (isoleucine 448 retained).
Molecular consequence: synonymous variant.
Genome position (GRCh38, 1-based): chr4:16,006,648, G>A on the plus strand (C>T on the coding strand, the complement: PROM1 is on the minus strand). VCF-style: chr4-16006648-G-A. GRCh37 (hg19) VCF-style: chr4-16008271-G-A.
Other names: c.1317C>T, p.Ile439= (NM_001145847.2, NM_001145848.2, NM_001145851.2 and 4 more transcripts); c.1344C>T, p.Ile448= (NM_001145849.2, NM_001145850.2).
Identifiers: ClinVar variation 347993 (VCV000347993.56), dbSNP rs147174580, ClinGen allele CA2866795.

ClinVar aggregate classification (germline): Conflicting classifications of pathogenicity. Review status: criteria provided, conflicting classifications (1 of 4 stars). 8 submissions from 5 submitters: Uncertain significance (6); Benign (1). 1 of the submissions does not count toward it. Last evaluated 2025-04-20.

Conditions:
Cone-rod dystrophy 12 (CORD12). Identifiers: Orphanet 1872, MedGen C2675210, MONDO:0012983, OMIM 612657.
PROM1-related disorder. Also called: PROM1-related condition; PROM1-related disorders.
Retinal dystrophy. Also called: Inherited retinal dystrophy. Identifiers: Orphanet 71862, MedGen C0854723, MeSH D058499, MONDO:0019118, HP:0000556.
Retinal macular dystrophy type 2 (MCDR2). Also called: Bull's eye macular dystrophy. Identifiers: Orphanet 319640, MedGen C4749334, MONDO:0011957, OMIM 608051.
Stargardt disease 4 (STGD4). Identifiers: Orphanet 827, MedGen C1863534, MONDO:0011370, OMIM 603786.
Retinitis pigmentosa (RP). Identifiers: Orphanet 791, MedGen C0035334, MeSH D012174, MONDO:0019200, OMIM 268000. Inheritance: Autosomal dominant, autosomal recessive and X linked inheritance.

Allele frequency attached by ClinVar (database versions not stated): TOPMed 0.00002; gnomAD exomes 0.00005; ESP Exome Variant Server 0.00008; ExAC 0.00011; 1000 Genomes Project 30x 0.00031; 1000 Genomes Project 0.00040.
gnomAD v4.1: 51 of 1,612,892 alleles (0.0032%); highest among the groups gnomAD compares: East Asian, 0.022%; 1 homozygote.

Submissions (8):

Labcorp Genetics (formerly Invitae), Labcorp
Classification: Benign. Last evaluated: 2025-04-20. Review status: criteria provided, single submitter. Criteria: Invitae Variant Classification Sherloc (09022015). Collection method: clinical testing. Allele origin: germline.

Dept Of Ophthalmology, Nagoya University
Classification: Uncertain significance for Retinal dystrophy. Last evaluated: 2023-10-01. Review status: criteria provided, single submitter. Criteria: Submitter's publication. Collection method: research. Allele origin: germline. Affected: yes.

CeGaT Center for Human Genetics Tuebingen
Classification: Uncertain significance. Last evaluated: 2018-10-01. Review status: criteria provided, single submitter. Criteria: CeGaT Center For Human Genetics Tuebingen Variant Classification Criteria Version 2. Collection method: clinical testing. Allele origin: germline. Affected: yes. Observed: 1 variant allele.

Illumina Laboratory Services, Illumina
Classification: Uncertain significance for Stargardt disease 4. Last evaluated: 2018-01-13. Review status: criteria provided, single submitter. Criteria: ICSL Variant Classification Criteria 13 December 2019. Collection method: clinical testing. Allele origin: germline.

Illumina Laboratory Services, Illumina
Classification: Uncertain significance for Retinal macular dystrophy type 2. Last evaluated: 2018-01-13. Review status: criteria provided, single submitter. Criteria: ICSL Variant Classification Criteria 13 December 2019. Collection method: clinical testing. Allele origin: germline.

Illumina Laboratory Services, Illumina
Classification: Uncertain significance for Retinitis pigmentosa. Last evaluated: 2018-01-13. Review status: criteria provided, single submitter. Criteria: ICSL Variant Classification Criteria 13 December 2019. Collection method: clinical testing. Allele origin: germline.

Illumina Laboratory Services, Illumina
Classification: Uncertain significance for Cone-rod dystrophy 12. Last evaluated: 2018-01-13. Review status: criteria provided, single submitter. Criteria: ICSL Variant Classification Criteria 13 December 2019. Collection method: clinical testing. Allele origin: germline.

PreventionGenetics, part of Exact Sciences
Classification: Likely benign for PROM1-related condition. Last evaluated: 2019-05-15. Review status: no assertion criteria provided. Collection method: clinical testing. Allele origin: germline. Not counted in ClinVar's aggregate classification.
Comment: This variant is classified as likely benign based on ACMG/AMP sequence variant interpretation guidelines (Richards et al. 2015 PMID: 25741868, with internal and published modifications).